The following is an entry in ClinVar:

NM_198123.2(CSMD3):c.4896-3C>T

Gene: CSMD3 (CUB and Sushi multiple domains 3; minus strand). Cytogenetic location: 8q23.3.
Variant type: single nucleotide variant.
Coding change: c.4896-3C>T on transcript NM_198123.2 (MANE Select); 3 bases into the intron before coding-DNA position 4896, C replaced by T.
Molecular consequence: intron variant.
Genome position (GRCh38, 1-based): chr8:112,503,980, G>A on the plus strand (C>T on the coding strand, the complement: CSMD3 is on the minus strand). VCF-style: chr8-112503980-G-A. GRCh37 (hg19) VCF-style: chr8-113516209-G-A.
Other names: c.4506-3C>T (NM_001363185.1); c.4584-3C>T (NM_052900.3); c.4776-3C>T (NM_198124.2).
Identifiers: ClinVar variation 768255 (VCV000768255.7), dbSNP rs10955625, ClinGen allele CA4850014.

ClinVar aggregate classification (germline): Benign. Review status: criteria provided, multiple submitters, no conflicts (2 of 4 stars). 3 submissions from 3 submitters: Benign (2). 1 of the submissions does not count toward it. Last evaluated 2019-12-31.

Conditions:
CSMD3-related disorder. Also called: CSMD3-related condition.

Allele frequency attached by ClinVar (database versions not stated): ExAC 0.60434; gnomAD 0.72989; TOPMed 0.73204.

Submissions (3):

Labcorp Genetics (formerly Invitae), Labcorp
Classification: Benign. Last evaluated: 2019-12-31. Review status: criteria provided, single submitter. Criteria: Invitae Variant Classification Sherloc (09022015). Collection method: clinical testing. Allele origin: germline.

Breakthrough Genomics
Classification: Benign. Review status: criteria provided, single submitter. Criteria: ACMG Guidelines, 2015. Collection method: not provided. Allele origin: germline. Inheritance: Unknown mechanism. Affected: yes.

PreventionGenetics, part of Exact Sciences
Classification: Benign for CSMD3-related condition. Last evaluated: 2019-10-21. Review status: no assertion criteria provided. Collection method: clinical testing. Allele origin: germline. Not counted in ClinVar's aggregate classification.
Comment: This variant is classified as benign based on ACMG/AMP sequence variant interpretation guidelines (Richards et al. 2015 PMID: 25741868, with internal and published modifications).